The following is an entry in ClinVar:

ClinVar aggregate classification (germline): Conflicting classifications of pathogenicity. Review status: criteria provided, conflicting classifications (1 of 4 stars). 5 submissions from 5 submitters: Uncertain significance (4); Benign (1). Last evaluated 2025-06-05.

Conditions:
Familial hypobetalipoproteinemia 1. Also called: Hypobetalipoproteinemia, normotriglyceridemic; Acanthocytosis with hypobetalipoproteinemia; APOB-Related Familial Hypobetalipoproteinemia. Identifiers: MedGen C4551990, MONDO:0014252, OMIM 615558.
Hypercholesterolemia, autosomal dominant, type B (FHCL2). Also called: Familial Hypercholesterolemia Type B; HYPERCHOLESTEROLEMIA, FAMILIAL, DUE TO LIGAND-DEFECTIVE APOLIPOPROTEIN B; Familial hypercholesterolemia 2; APOB-Related Familial Hypercholesterolemia, Autosomal Dominant; APOLIPOPROTEIN B-100, FAMILIAL DEFECTIVE; APOLIPOPROTEIN B-100, FAMILIAL LIGAND-DEFECTIVE. Identifiers: MedGen C1704417, MONDO:0007751, OMIM 144010.
Familial hypercholesterolemia. Also called: Familial hypercholesterolemias; Familial hypercholesterolaemia. Identifiers: MedGen C0020445, MONDO:0005439.
Cardiovascular phenotype. Identifiers: MedGen CN230736.

Allele frequency attached by ClinVar (database versions not stated): gnomAD exomes below 0.00001 and 0.00001; ExAC 0.00001; gnomAD 0.00004; TOPMed 0.00005; ESP Exome Variant Server 0.00008.
gnomAD v4.1: 10 of 1,614,148 alleles (0.00062%); highest among the groups gnomAD compares: African/African-American, 0.012%; no homozygotes.

Submissions (5):

Ambry Genetics
Classification: Uncertain significance for Cardiovascular phenotype. Last evaluated: 2025-06-05. Review status: criteria provided, single submitter. Criteria: Ambry Variant Classification Scheme 2023. Collection method: clinical testing. Allele origin: germline.
Comment: The p.Y56H variant (also known as c.166T>C), located in coding exon 3 of the APOB gene, results from a T to C substitution at nucleotide position 166. The tyrosine at codon 56 is replaced by histidine, an amino acid with similar properties. This amino acid position is highly conserved in available vertebrate species. In addition, the in silico prediction for this alteration is inconclusive. Since supporting evidence is limited at this time, the clinical significance of this alteration remains unclear.

GeneDx
Classification: Uncertain significance. Last evaluated: 2025-05-28. Review status: criteria provided, single submitter. Criteria: GeneDx Variant Classification Process June 2021. Collection method: clinical testing. Allele origin: germline. Affected: yes.
Comment: Not observed at significant frequency in large population cohorts (gnomAD); In silico analysis supports that this missense variant has a deleterious effect on protein structure/function; Has not been previously published as pathogenic or benign to our knowledge; This variant is associated with the following publications: (PMID: 24498611)

Labcorp Genetics (formerly Invitae), Labcorp
Classification: Benign for Familial hypobetalipoproteinemia 1; Hypercholesterolemia, autosomal dominant, type B. Last evaluated: 2024-12-02. Review status: criteria provided, single submitter. Criteria: Invitae Variant Classification Sherloc (09022015). Collection method: clinical testing. Allele origin: germline.

Fulgent Genetics
Classification: Uncertain significance for Hypercholesterolemia, autosomal dominant, type B; Familial hypobetalipoproteinemia 1. Last evaluated: 2021-08-11. Review status: criteria provided, single submitter. Criteria: ACMG Guidelines, 2015. Collection method: clinical testing. Allele origin: unknown.

Color Diagnostics, LLC DBA Color Health
Classification: Uncertain significance for Familial hypercholesterolemia. Last evaluated: 2018-12-05. Review status: criteria provided, single submitter. Criteria: ACMG Guidelines, 2015. Collection method: clinical testing. Allele origin: germline.
Comment: Variant of Uncertain Significance due to insufficient evidence: This missense variant (also known as p.Tyr29His in the mature protein) is located in the beta alpha 1 domain of the APOB protein. Computational prediction tools and conservation analyses are inconclusive regarding the impact of this variant on the protein function. Computational splicing tools suggest that this variant may not impact RNA splicing. To our knowledge, functional assays have not been performed for this variant nor has this variant been reported in individuals affected with familial hypercholesterolemia in the literature. This variant has been identified in 2/277218 chromosomes in the general population by the Genome Aggregation Database (gnomAD). Available evidence is insufficient to determine the pathogenicity of this variant conclusively.

Literature cited by the submitters: PubMed 24498611 (cited by Ambry Genetics).

NM_000384.3(APOB):c.166T>C (p.Tyr56His)

Genes: APOB (apolipoprotein B; minus strand), LOC106560211 (APOB 5' regulatory region; plus strand). Cytogenetic location: 2p24.1.
Variant type: single nucleotide variant.
Coding change: c.166T>C on transcript NM_000384.3 (MANE Select); coding-DNA position 166, T replaced by C.
Protein change: p.Tyr56His; replaces tyrosine 56 with histidine.
Molecular consequence: missense variant.
Genome position (GRCh38, 1-based): chr2:21,042,432, A>G on the plus strand (T>C on the coding strand, the complement: APOB is on the minus strand). VCF-style: chr2-21042432-A-G. GRCh37 (hg19) VCF-style: chr2-21265304-A-G.
Other names: short protein forms Y56H.
Identifiers: ClinVar variation 921121 (VCV000921121.12), dbSNP rs150496608, ClinGen allele CA054371.